The following is an entry in ClinVar:

ClinVar aggregate classification (germline): Uncertain significance (1 of 4 stars; one submission).

Conditions:
Immunodeficiency 104. Also called: Severe combined immunodeficiency, autosomal recessive, T cell-negative, B cell-positive, NK cell-positive; SCID, AUTOSOMAL RECESSIVE, T CELL-NEGATIVE, B CELL-POSITIVE, NK CELL-POSITIVE; IMMUNODEFICIENCY 104, SEVERE COMBINED; Severe Combined Immune Deficiency, Autosomal Recessive, TCell -Negative, B Cell-Positive, NK Cell-Positive, IL7R-Related. Identifiers: MedGen C5676890, MONDO:0012163, OMIM 608971.

Submission:

Labcorp Genetics (formerly Invitae), Labcorp
Classification: Uncertain significance for Immunodeficiency 104. Last evaluated: 2022-03-13. Review status: criteria provided, single submitter. Criteria: Invitae Variant Classification Sherloc (09022015). Collection method: clinical testing. Allele origin: germline.
Comment: In summary, the available evidence is currently insufficient to determine the role of this variant in disease. Therefore, it has been classified as a Variant of Uncertain Significance. Algorithms developed to predict the effect of sequence changes on RNA splicing suggest that this variant may disrupt the consensus splice site. Advanced modeling of protein sequence and biophysical properties (such as structural, functional, and spatial information, amino acid conservation, physicochemical variation, residue mobility, and thermodynamic stability) performed at Invitae indicates that this missense variant is expected to disrupt IL7R protein function. This variant has not been reported in the literature in individuals affected with IL7R-related conditions. This variant is not present in population databases (gnomAD no frequency). This sequence change replaces lysine, which is basic and polar, with arginine, which is basic and polar, at codon 158 of the IL7R protein (p.Lys158Arg).

NM_002185.5(IL7R):c.473A>G (p.Lys158Arg)

Gene: IL7R (interleukin 7 receptor; plus strand). Cytogenetic location: 5p13.2.
Variant type: single nucleotide variant.
Coding change: c.473A>G on transcript NM_002185.5 (MANE Select); coding-DNA position 473, A replaced by G.
Protein change: p.Lys158Arg; replaces lysine 158 with arginine.
Molecular consequence: missense variant. On other transcripts: non-coding transcript variant (1).
Genome position (GRCh38, 1-based): chr5:35,871,149, A>G. VCF-style: chr5-35871149-A-G. GRCh37 (hg19) VCF-style: chr5-35871251-A-G.
Other names: c.473A>G, p.Lys158Arg (NM_001410734.1); short protein forms K158R.
Identifiers: ClinVar variation 2111103 (VCV002111103.4), dbSNP rs2531570421, ClinGen allele CA359430099.